The following is an entry in ClinVar:

ClinVar aggregate classification (germline): Uncertain significance (1 of 4 stars; one submission).

Conditions:
Familial cancer of breast. Also called: Hereditary breast cancer; hereditary breast carcinoma; BREAST CANCER, FAMILIAL. Identifiers: Orphanet 227535, MedGen C0346153, MONDO:0016419, OMIM 114480. Disease mechanism: loss of function.

Submission:

Labcorp Genetics (formerly Invitae), Labcorp
Classification: Uncertain significance for Familial cancer of breast. Last evaluated: 2019-05-02. Review status: criteria provided, single submitter. Criteria: Invitae Variant Classification Sherloc (09022015). Collection method: clinical testing. Allele origin: germline.
Comment: This sequence change replaces leucine with proline at codon 499 of the CHEK2 protein (p.Leu499Pro). The leucine residue is highly conserved and there is a moderate physicochemical difference between leucine and proline. This variant is not present in population databases (ExAC no frequency). This variant has not been reported in the literature in individuals with CHEK2-related conditions. Algorithms developed to predict the effect of missense changes on protein structure and function are either unavailable or do not agree on the potential impact of this missense change (SIFT: "Deleterious"; PolyPhen-2: "Probably Damaging"; Align-GVGD: "Class C0"). In summary, the available evidence is currently insufficient to determine the role of this variant in disease. Therefore, it has been classified as a Variant of Uncertain Significance.

NM_007194.4(CHEK2):c.1496T>C (p.Leu499Pro)

Gene: CHEK2 (checkpoint kinase 2; minus strand). Cytogenetic location: 22q12.1.
Variant type: single nucleotide variant.
Coding change: c.1496T>C on transcript NM_007194.4 (MANE Select); coding-DNA position 1496, T replaced by C.
Protein change: p.Leu499Pro; replaces leucine 499 with proline.
Molecular consequence: missense variant.
Genome position (GRCh38, 1-based): chr22:28,689,181, A>G on the plus strand (T>C on the coding strand, the complement: CHEK2 is on the minus strand). VCF-style: chr22-28689181-A-G. GRCh37 (hg19) VCF-style: chr22-29085169-A-G.
Other names: c.1625T>C, p.Leu542Pro (NM_001005735.3); c.833T>C, p.Leu278Pro (NM_001257387.3); c.1295T>C, p.Leu432Pro (NM_001349956.3); c.1409T>C, p.Leu470Pro (NM_145862.3); short protein forms L278P, L542P, L432P, L470P, L499P.
Identifiers: ClinVar variation 947274 (VCV000947274.10), dbSNP rs761750423, ClinGen allele CA323000083.
Genomic context (GRCh38, chr22:28,689,181, plus strand): 5'-AGGAATACGAATACCTGGGCTAGAACCTGGGGTAGAGCTGTGGATTCATTTTCCTCAGAC[A>G]GAAGATCTTGAAACTTTCTCTTCATGTCTTCATCCTGTGAGGGAATTAAAAACATAAGTA-3'
Protein context (NP_009125.1, residues 489-509): EDMKRKFQDL[Leu499Pro]SEENESTALP